The following is an entry in ClinVar:

ClinVar aggregate classification (germline): Uncertain significance (1 of 4 stars; one submission).

Submission:

Labcorp Genetics (formerly Invitae), Labcorp
Classification: Uncertain significance. Last evaluated: 2025-04-01. Review status: criteria provided, single submitter. Criteria: Invitae Variant Classification Sherloc (09022015). Collection method: clinical testing. Allele origin: germline.
Comment: This sequence change replaces arginine, which is basic and polar, with proline, which is neutral and non-polar, at codon 721 of the COMP protein (p.Arg721Pro). This variant is not present in population databases (gnomAD no frequency). This variant has not been reported in the literature in individuals affected with COMP-related conditions. Invitae Evidence Modeling of protein sequence and biophysical properties (such as structural, functional, and spatial information, amino acid conservation, physicochemical variation, residue mobility, and thermodynamic stability) indicates that this missense variant is expected to disrupt COMP protein function with a positive predictive value of 80%. In summary, the available evidence is currently insufficient to determine the role of this variant in disease. Therefore, it has been classified as a Variant of Uncertain Significance.

NM_000095.3(COMP):c.2162G>C (p.Arg721Pro)

Gene: COMP (cartilage oligomeric matrix protein; minus strand). Cytogenetic location: 19p13.11.
Variant type: single nucleotide variant.
Coding change: c.2162G>C on transcript NM_000095.3 (MANE Select); coding-DNA position 2162, G replaced by C.
Protein change: p.Arg721Pro; replaces arginine 721 with proline.
Molecular consequence: missense variant.
Genome position (GRCh38, 1-based): chr19:18,783,119, C>G on the plus strand (G>C on the coding strand, the complement: COMP is on the minus strand). VCF-style: chr19-18783119-C-G. GRCh37 (hg19) VCF-style: chr19-18893929-C-G.
Other names: short protein forms R721P.
Identifiers: ClinVar variation 4741454 (VCV004741454.1).